The following is an entry in ClinVar:

ClinVar aggregate classification (germline): Uncertain significance. Review status: criteria provided, multiple submitters, no conflicts (2 of 4 stars). 2 submissions from 2 submitters: Uncertain significance (2). Last evaluated 2025-07-22.

Conditions:
Hereditary spastic paraplegia 8 (SPG8). Also called: SPASTIC PARAPLEGIA 8, AUTOSOMAL DOMINANT. Identifiers: Orphanet 100989, MedGen C1863704, MONDO:0011339, OMIM 603563.
Ritscher-Schinzel syndrome. Also called: CRANIOCEREBELLOCARDIAC DYSPLASIA. Identifiers: Orphanet 7, MedGen C0796137, MONDO:0019078.

gnomAD v4.1: 37 of 1,613,906 alleles (0.0023%); highest among the groups gnomAD compares: Non-Finnish European, 0.003%; no homozygotes.

Submissions (2):

Labcorp Genetics (formerly Invitae), Labcorp
Classification: Uncertain significance for Ritscher-Schinzel syndrome; Hereditary spastic paraplegia 8. Last evaluated: 2025-07-22. Review status: criteria provided, single submitter. Criteria: Invitae Variant Classification Sherloc (09022015). Collection method: clinical testing. Allele origin: germline.
Comment: This sequence change replaces glutamic acid, which is acidic and polar, with aspartic acid, which is acidic and polar, at codon 335 of the WASHC5 protein (p.Glu335Asp). This variant is present in population databases (rs774355656, gnomAD 0.002%). This variant has not been reported in the literature in individuals affected with WASHC5-related conditions. Invitae Evidence Modeling of protein sequence and biophysical properties (such as structural, functional, and spatial information, amino acid conservation, physicochemical variation, residue mobility, and thermodynamic stability) indicates that this missense variant is not expected to disrupt WASHC5 protein function with a negative predictive value of 80%. In summary, the available evidence is currently insufficient to determine the role of this variant in disease. Therefore, it has been classified as a Variant of Uncertain Significance.

Blueprint Genetics
Classification: Uncertain significance. Last evaluated: 2022-09-19. Review status: criteria provided, single submitter. Criteria: ACMG Guidelines, 2015. Collection method: clinical testing. Allele origin: germline.

NM_014846.4(WASHC5):c.1005A>C (p.Glu335Asp)

Gene: WASHC5 (WASH complex subunit 5; minus strand). Cytogenetic location: 8q24.13.
Variant type: single nucleotide variant.
Coding change: c.1005A>C on transcript NM_014846.4 (MANE Select); coding-DNA position 1005, A replaced by C.
Protein change: p.Glu335Asp; replaces glutamic acid 335 with aspartic acid.
Molecular consequence: missense variant.
Genome position (GRCh38, 1-based): chr8:125,073,298, T>G on the plus strand (A>C on the coding strand, the complement: WASHC5 is on the minus strand). VCF-style: chr8-125073298-T-G. GRCh37 (hg19) VCF-style: chr8-126085540-T-G.
Other names: c.561A>C, p.Glu187Asp (NM_001330609.2); short protein forms E187D, E335D.
Identifiers: ClinVar variation 4793652 (VCV004793652.2).